The following is an entry in ClinVar:

ClinVar aggregate classification (germline): Pathogenic/Likely pathogenic. Review status: criteria provided, multiple submitters, no conflicts (2 of 4 stars). 2 submissions from 2 submitters: Pathogenic (1); Likely pathogenic (1). Last evaluated 2026-02-11.

Conditions:
Oculocerebrofacial syndrome, Kaufman type. Also called: Blepharophimosis-ptosis-intellectual disability syndrome. Identifiers: Orphanet 2707, MedGen C1855663, MONDO:0009485, OMIM 244450.

Allele frequency attached by ClinVar (database versions not stated): ExAC 0.00001.
gnomAD v4.1: 4 of 1,613,950 alleles (0.00025%); highest among the groups gnomAD compares: South Asian, 0.0011%; no homozygotes.

Submissions (2):

Women's Health and Genetics/Laboratory Corporation of America, LabCorp
Classification: Pathogenic for Oculocerebrofacial syndrome, Kaufman type. Last evaluated: 2026-02-11. Review status: criteria provided, single submitter. Criteria: LabCorp Variant Classification Summary - May 2015. Collection method: clinical testing. Allele origin: germline.
Comment: Variant summary: UBE3B c.1972C>T (p.Arg658X) results in a premature termination codon, predicted to cause a truncation of the encoded protein or absence of the protein due to nonsense mediated decay, which are commonly known mechanisms for disease. The variant allele was found at a frequency of 8e-06 in 251390 control chromosomes. c.1972C>T has been observed in individual(s) affected with Oculocerebrofacial Syndrome, Kaufman Type (example: Xiao_2023). The following publication has been ascertained in the context of this evaluation (PMID: 37938362). ClinVar contains an entry for this variant (Variation ID: 2584411). Based on the evidence outlined above, the variant was classified as pathogenic.

Rady Children's Institute for Genomic Medicine, Rady Children's Hospital San Diego
Classification: Likely pathogenic for Oculocerebrofacial syndrome, Kaufman type. Review status: criteria provided, single submitter. Criteria: ACMG Guidelines, 2015. Collection method: clinical testing. Allele origin: germline. Affected: yes.
Comment: This nonsense variant found in exon 19 of 28 is predicted to result in loss of normal protein function through either protein truncation or nonsense-mediated mRNA decay (NMD). This variant has not been previously reported or functionally characterized in the literature to our knowledge. Loss-of-function variation in UBE3B is an established mechanism of disease (PMID: 23687348). The c.1972C>T (p.Arg658Ter) variant is present in the heterozygous state in the gnomAD population database at a frequency of 0.001% (2/251390) and is absent in the homozygous state, thus is presumed to be rare. Based on the available evidence, the c.1972C>T (p.Arg658Ter) variant is classified as Likely Pathogenic.

Literature cited by the submitters: PubMed 37938362 (cited by Women's Health and Genetics/Laboratory Corporation of America, LabCorp).

NM_130466.4(UBE3B):c.1972C>T (p.Arg658Ter)

Gene: UBE3B (ubiquitin protein ligase E3B; plus strand). Cytogenetic location: 12q24.11.
Variant type: single nucleotide variant.
Coding change: c.1972C>T on transcript NM_130466.4 (MANE Select); coding-DNA position 1972, C replaced by T.
Protein change: p.Arg658Ter; replaces arginine 658 with a stop codon.
Molecular consequence: nonsense.
Genome position (GRCh38, 1-based): chr12:109,516,780, C>T. VCF-style: chr12-109516780-C-T. GRCh37 (hg19) VCF-style: chr12-109954585-C-T.
Other names: c.1972C>T, p.Arg658Ter (NM_183415.3); short protein forms R658*.
Identifiers: ClinVar variation 2584411 (VCV002584411.2), dbSNP rs761700377, ClinGen allele CA6778077.
Genomic context (GRCh38, chr12:109,516,780, plus strand): 5'-CAGTTTGCTGACCCTGTTTTCTGATCCCGCCTTTGTTCATTTTAGAGAGTTCTACTGTTT[C>T]GAACCATGGTTACCAAGGAGAAGGAGAAACTGGGGCTGGTGGAAACCAGCTCTGCCTCCC-3'